The following is an entry in ClinVar:

NM_000059.4(BRCA2):c.3094A>C (p.Lys1032Gln)

Gene: BRCA2 (BRCA2 DNA repair associated; plus strand). Cytogenetic location: 13q13.1.
Variant type: single nucleotide variant.
Coding change: c.3094A>C on transcript NM_000059.4 (MANE Select); coding-DNA position 3094, A replaced by C.
Protein change: p.Lys1032Gln; replaces lysine 1032 with glutamine.
Molecular consequence: missense variant. On other transcripts: non-coding transcript variant (1), intron variant (2).
Genome position (GRCh38, 1-based): chr13:32,337,449, A>C. VCF-style: chr13-32337449-A-C. GRCh37 (hg19) VCF-style: chr13-32911586-A-C.
Other names: c.3094A>C, p.Lys1032Gln (NM_001406719.1, NM_001406720.1, NM_001432077.1); c.1909+4062A>C (NM_001406721.1); c.424+6419A>C (NM_001406722.1); short protein forms K1032Q.
Identifiers: ClinVar variation 3364849 (VCV003364849.1).

ClinVar aggregate classification (germline): Uncertain significance (1 of 4 stars; one submission).

Submission:

GeneDx
Classification: Uncertain significance. Last evaluated: 2023-11-25. Review status: criteria provided, single submitter. Criteria: GeneDx Variant Classification Process June 2021. Collection method: clinical testing. Allele origin: germline. Affected: yes.
Comment: Not observed at significant frequency in large population cohorts (gnomAD); In silico analysis supports that this missense variant has a deleterious effect on protein structure/function; Has not been previously published as pathogenic or benign to our knowledge; Also known as 3322A>C; This variant is associated with the following publications: (PMID: 9002670, 22193408)